The following is an entry in ClinVar:

ClinVar aggregate classification (germline): Uncertain significance (1 of 4 stars; one submission).

Conditions:
Nephronophthisis 14 (NPHP14). Identifiers: Orphanet 2318, MedGen C3539071, MONDO:0013916, OMIM 614844.

Allele frequency attached by ClinVar (database versions not stated): gnomAD 0.00001.
gnomAD v4.1: 12 of 1,613,764 alleles (0.00074%); highest among the groups gnomAD compares: South Asian, 0.0011%; no homozygotes.

Submission:

Labcorp Genetics (formerly Invitae), Labcorp
Classification: Uncertain significance for Nephronophthisis 14. Last evaluated: 2022-05-28. Review status: criteria provided, single submitter. Criteria: Invitae Variant Classification Sherloc (09022015). Collection method: clinical testing. Allele origin: germline.
Comment: This sequence change replaces arginine, which is basic and polar, with cysteine, which is neutral and slightly polar, at codon 229 of the ZNF423 protein (p.Arg229Cys). This variant is not present in population databases (gnomAD no frequency). This variant has not been reported in the literature in individuals affected with ZNF423-related conditions. Algorithms developed to predict the effect of missense changes on protein structure and function are either unavailable or do not agree on the potential impact of this missense change (SIFT: "Deleterious"; PolyPhen-2: "Probably Damaging"; Align-GVGD: "Class C0"). In summary, the available evidence is currently insufficient to determine the role of this variant in disease. Therefore, it has been classified as a Variant of Uncertain Significance.

NM_001379286.1(ZNF423):c.709C>T (p.Arg237Cys)

Gene: ZNF423 (zinc finger protein 423; minus strand). Cytogenetic location: 16q12.1.
Variant type: single nucleotide variant.
Coding change: c.709C>T on transcript NM_001379286.1 (MANE Select); coding-DNA position 709, C replaced by T.
Protein change: p.Arg237Cys; replaces arginine 237 with cysteine.
Molecular consequence: missense variant.
Genome position (GRCh38, 1-based): chr16:49,638,467, G>A on the plus strand (C>T on the coding strand, the complement: ZNF423 is on the minus strand). VCF-style: chr16-49638467-G-A. GRCh37 (hg19) VCF-style: chr16-49672378-G-A.
Other names: c.505C>T, p.Arg169Cys (NM_001271620.2); c.334C>T, p.Arg112Cys (NM_001330533.2); c.685C>T, p.Arg229Cys (NM_015069.5); short protein forms R169C, R112C, R229C, R237C.
Identifiers: ClinVar variation 1955023 (VCV001955023.2), dbSNP rs1972844712, ClinGen allele CA395851759.